The following is an entry in ClinVar:

NM_001271.4(CHD2):c.1769A>G (p.Asn590Ser)

Gene: CHD2 (chromodomain helicase DNA binding protein 2; plus strand). Cytogenetic location: 15q26.1.
Variant type: single nucleotide variant.
Coding change: c.1769A>G on transcript NM_001271.4 (MANE Select); coding-DNA position 1769, A replaced by G.
Protein change: p.Asn590Ser; replaces asparagine 590 with serine.
Molecular consequence: missense variant.
Genome position (GRCh38, 1-based): chr15:92,955,472, A>G. VCF-style: chr15-92955472-A-G. GRCh37 (hg19) VCF-style: chr15-93498702-A-G.
Other names: short protein forms N590S.
Identifiers: ClinVar variation 429457 (VCV000429457.13), dbSNP rs373555806, ClinGen allele CA7747866.
Genomic context (GRCh38, chr15:92,955,472, plus strand): 5'-TTTTCTTATAGATACGGGAATATGAATGGATTCATTCCCAAACCAAAAGATTGAAGTTCA[A>G]CGCACTTATAACAACATATGAGATCCTCTTGAAAGATAAGGTGTGTAATTAATATCTAAA-3'
Protein context (NP_001262.3, residues 580-600): IHSQTKRLKF[Asn590Ser]ALITTYEILL

ClinVar aggregate classification (germline): Uncertain significance. Review status: criteria provided, multiple submitters, no conflicts (2 of 4 stars). 2 submissions from 2 submitters: Uncertain significance (2). Last evaluated 2026-02-02.

Conditions:
Developmental and epileptic encephalopathy 94 (DEE94). Also called: CHD2-Related Neurodevelopmental Disorders; Epileptic encephalopathy, childhood-onset. Identifiers: Orphanet 1942, Orphanet 2382, MedGen C3809278, MONDO:0014150, OMIM 615369.

Allele frequency attached by ClinVar (database versions not stated): ExAC 0.00001; gnomAD exomes 0.00001; gnomAD 0.00002; TOPMed 0.00004; ESP Exome Variant Server 0.00008.
gnomAD v4.1: 22 of 1,599,416 alleles (0.0014%); highest among the groups gnomAD compares: Admixed American, 0.0053%; no homozygotes.

Submissions (2):

Labcorp Genetics (formerly Invitae), Labcorp
Classification: Uncertain significance for Developmental and epileptic encephalopathy 94. Last evaluated: 2026-02-02. Review status: criteria provided, single submitter. Criteria: Invitae Variant Classification Sherloc (09022015). Collection method: clinical testing. Allele origin: germline.
Comment: This sequence change replaces asparagine, which is neutral and polar, with serine, which is neutral and polar, at codon 590 of the CHD2 protein (p.Asn590Ser). The frequency data for this variant in the population databases is considered unreliable, as metrics indicate poor data quality at this position in the gnomAD database. This missense change has been observed in individual(s) with clinical features of CHD2-related conditions (internal data). ClinVar contains an entry for this variant (Variation ID: 429457). Invitae Evidence Modeling of protein sequence and biophysical properties (such as structural, functional, and spatial information, amino acid conservation, physicochemical variation, residue mobility, and thermodynamic stability) indicates that this missense variant is not expected to disrupt CHD2 protein function with a negative predictive value of 95%. In summary, the available evidence is currently insufficient to determine the role of this variant in disease. Therefore, it has been classified as a Variant of Uncertain Significance.

GeneDx
Classification: Uncertain significance. Last evaluated: 2023-11-16. Review status: criteria provided, single submitter. Criteria: GeneDx Variant Classification Process June 2021. Collection method: clinical testing. Allele origin: germline. Affected: yes.
Comment: In silico analysis supports that this missense variant has a deleterious effect on protein structure/function; Has not been previously published as pathogenic or benign to our knowledge